The following is an entry in ClinVar:

ClinVar aggregate classification (germline): Uncertain significance (1 of 4 stars; one submission).

Submission:

GeneDx
Classification: Uncertain significance. Last evaluated: 2025-01-24. Review status: criteria provided, single submitter. Criteria: GeneDx Variant Classification Process June 2021. Collection method: clinical testing. Allele origin: germline. Affected: yes.
Comment: Not observed at significant frequency in large population cohorts (gnomAD); In silico analysis supports that this missense variant has a deleterious effect on protein structure/function; Has not been previously published as pathogenic or benign to our knowledge.

NM_000217.3(KCNA1):c.1178C>T (p.Ala393Val)

Gene: KCNA1 (potassium voltage-gated channel subfamily A member 1; plus strand). Cytogenetic location: 12p13.32.
Variant type: single nucleotide variant.
Coding change: c.1178C>T on transcript NM_000217.3 (MANE Select); coding-DNA position 1178, C replaced by T.
Protein change: p.Ala393Val; replaces alanine 393 with valine.
Molecular consequence: missense variant.
Genome position (GRCh38, 1-based): chr12:4,912,556, C>T. VCF-style: chr12-4912556-C-T. GRCh37 (hg19) VCF-style: chr12-5021722-C-T.
Other names: short protein forms A393V.
Identifiers: ClinVar variation 4071783 (VCV004071783.1).